The following is an entry in ClinVar:

ClinVar aggregate classification (germline): Likely benign. Review status: criteria provided, multiple submitters, no conflicts (2 of 4 stars). 2 submissions from 2 submitters: Likely benign (2). Last evaluated 2018-01-13.

Conditions:
Mannose-binding lectin deficiency. Also called: LECTIN COMPLEMENT ACTIVATION PATHWAY, DEFECT IN, 1; MBP DEFICIENCY; MBL DEFICIENCY; MBL2 DEFICIENCY; Chronic infections, due to MBL deficiency. Identifiers: MedGen C3280586, MONDO:0013714, OMIM 614372.

Allele frequency attached by ClinVar (database versions not stated): gnomAD exomes 0.50000; 1000 Genomes Project 30x 0.44363; gnomAD 0.47567 and 0.48249; TOPMed 0.47535; 1000 Genomes Project 0.45188.

Submissions (2):

Illumina Laboratory Services, Illumina
Classification: Likely benign for Mannose-binding lectin deficiency. Last evaluated: 2018-01-13. Review status: criteria provided, single submitter. Criteria: ICSL Variant Classification Criteria 13 December 2019. Collection method: clinical testing. Allele origin: germline.
Comment: This variant was observed in the ICSL laboratory as part of a predisposition screen in an ostensibly healthy population. It had not been previously curated by ICSL or reported in the Human Gene Mutation Database (HGMD: prior to June 1st, 2018), and was therefore a candidate for classification through an automated scoring system. Utilizing variant allele frequency, disease prevalence and penetrance estimates, and inheritance mode, an automated score was calculated to assess if this variant is too frequent to cause the disease. Based on the score and internal cut-off values, a variant classified as likely benign is not then subjected to further curation. The score for this variant resulted in a classification of likely benign for this disease.

Breakthrough Genomics
Classification: Likely benign. Review status: criteria provided, single submitter. Criteria: ACMG Guidelines, 2015. Collection method: not provided. Allele origin: germline. Inheritance: Autosomal dominant inheritance. Affected: yes.

NM_001378373.1(MBL2):c.*1691G>A

Gene: MBL2 (mannose binding lectin 2; minus strand). Cytogenetic location: 10q21.1.
Variant type: single nucleotide variant.
Coding change: c.*1691G>A on transcript NM_001378373.1 (MANE Select); 1691 bases downstream of the stop codon, G replaced by A.
Molecular consequence: 3 prime UTR variant.
Genome position (GRCh38, 1-based): chr10:52,766,446, C>T on the plus strand (G>A on the coding strand, the complement: MBL2 is on the minus strand). VCF-style: chr10-52766446-C-T. GRCh37 (hg19) VCF-style: chr10-54526206-C-T.
Other names: c.*1691G>A (NM_000242.3, NM_001378374.1).
Identifiers: ClinVar variation 300124 (VCV000300124.6), dbSNP rs10824792, ClinGen allele CA10635905.
Genomic context (GRCh38, chr10:52,766,446, plus strand): 5'-GTTACCTAACTTACAAAAATGCACCACCCTAGTTCAGTGGAGGAAAAATGGTCTTTCCTA[C>T]ATAGTGCTGTCTCAAGTGGATATCTATTCTACCAGGAATAGATAGAATGTTTATTAATAA-3'